The following is an entry in ClinVar:

NM_015602.4(TOR1AIP1):c.43T>C (p.Trp15Arg)

Genes: TOR1AIP1 (torsin 1A interacting protein 1; plus strand), LOC112577517 (Sharpr-MPRA regulatory region 13766; plus strand). Cytogenetic location: 1q25.2.
Variant type: single nucleotide variant.
Coding change: c.43T>C on transcript NM_015602.4 (MANE Select); coding-DNA position 43, T replaced by C.
Protein change: p.Trp15Arg; replaces tryptophan 15 with arginine.
Molecular consequence: missense variant.
Genome position (GRCh38, 1-based): chr1:179,882,545, T>C. VCF-style: chr1-179882545-T-C. GRCh37 (hg19) VCF-style: chr1-179851680-T-C.
Other names: c.43T>C, p.Trp15Arg (NM_001267578.2); short protein forms W15R.
Identifiers: ClinVar variation 936354 (VCV000936354.5), dbSNP rs748263394, ClinGen allele CA1268630.

ClinVar aggregate classification (germline): Uncertain significance (1 of 4 stars; one submission).

Conditions:
Autosomal recessive limb-girdle muscular dystrophy type 2Y (MRRSDC). Also called: Muscular dystrophy, limb-girdle, type 2y; Muscular dystrophy, autosomal recessive, with rigid spine and distal joint contractures. Identifiers: Orphanet 424261, MedGen C4511482, MONDO:0014900, OMIM 617072.

Allele frequency attached by ClinVar (database versions not stated): gnomAD exomes below 0.00001 and 0.00001; gnomAD 0.00001; TOPMed 0.00004; ExAC 0.00005.

Submission:

Labcorp Genetics (formerly Invitae), Labcorp
Classification: Uncertain significance for Autosomal recessive limb-girdle muscular dystrophy type 2Y. Last evaluated: 2022-06-26. Review status: criteria provided, single submitter. Criteria: Invitae Variant Classification Sherloc (09022015). Collection method: clinical testing. Allele origin: germline.
Comment: In summary, the available evidence is currently insufficient to determine the role of this variant in disease. Therefore, it has been classified as a Variant of Uncertain Significance. Algorithms developed to predict the effect of missense changes on protein structure and function are either unavailable or do not agree on the potential impact of this missense change (SIFT: "Deleterious"; PolyPhen-2: "Possibly Damaging"; Align-GVGD: "Class C0"). ClinVar contains an entry for this variant (Variation ID: 936354). This variant has not been reported in the literature in individuals affected with TOR1AIP1-related conditions. The frequency data for this variant in the population databases is considered unreliable, as metrics indicate poor data quality at this position in the gnomAD database. This sequence change replaces tryptophan, which is neutral and slightly polar, with arginine, which is basic and polar, at codon 15 of the TOR1AIP1 protein (p.Trp15Arg).